The following is an entry in ClinVar:

NM_000965.5(RARB):c.1193C>G (p.Ser398Ter)

Gene: RARB (retinoic acid receptor beta; plus strand). Cytogenetic location: 3p24.2.
Variant type: single nucleotide variant.
Coding change: c.1193C>G on transcript NM_000965.5 (MANE Select); coding-DNA position 1193, C replaced by G.
Protein change: p.Ser398Ter; replaces serine 398 with a stop codon.
Molecular consequence: nonsense. On other transcripts: non-coding transcript variant (2).
Genome position (GRCh38, 1-based): chr3:25,596,462, C>G. VCF-style: chr3-25596462-C-G. GRCh37 (hg19) VCF-style: chr3-25637953-C-G.
Other names: c.1214C>G, p.Ser405Ter (NM_001290216.3); c.857C>G, p.Ser286Ter (NM_001290217.2, NM_001290276.2, NM_016152.4); c.1046C>G, p.Ser349Ter (NM_001290266.2); c.1055C>G, p.Ser352Ter (NM_001290277.1); c.1064C>G, p.Ser355Ter (NM_001290300.2); short protein forms S286*, S349*, S352*, S355*, S398*, S405*.
Identifiers: ClinVar variation 988355 (VCV000988355.7), dbSNP rs1701836507, ClinGen allele CA351889148.

ClinVar aggregate classification (germline): Pathogenic/Likely pathogenic. Review status: criteria provided, multiple submitters, no conflicts (2 of 4 stars). 3 submissions from 3 submitters: Pathogenic (1); Likely pathogenic (2). Last evaluated 2023-03-08.

Conditions:
Microphthalmia, syndromic 12 (MCOPS12). Also called: MICROPHTHALMIA WITH OR WITHOUT PULMONARY HYPOPLASIA, DIAPHRAGMATIC HERNIA, AND/OR CARDIAC DEFECTS. Identifiers: Orphanet 2470, Orphanet 689829, MedGen C3809803, MONDO:0014229, OMIM 615524.

Submissions (3):

Labcorp Genetics (formerly Invitae), Labcorp
Classification: Pathogenic for Microphthalmia, syndromic 12. Last evaluated: 2023-03-08. Review status: criteria provided, single submitter. Criteria: Invitae Variant Classification Sherloc (09022015). Collection method: clinical testing. Allele origin: germline.
Comment: For these reasons, this variant has been classified as Pathogenic. This sequence change creates a premature translational stop signal (p.Ser398*) in the RARB gene. While this is not anticipated to result in nonsense mediated decay, it is expected to disrupt the last 51 amino acid(s) of the RARB protein. This variant is not present in population databases (gnomAD no frequency). This premature translational stop signal has been observed in individual(s) with clinical features of RARB-related conditions (PMID: 35105264; Invitae). In at least one individual the variant was observed to be de novo. ClinVar contains an entry for this variant (Variation ID: 988355).

GeneDx
Classification: Likely pathogenic. Last evaluated: 2022-03-23. Review status: criteria provided, single submitter. Criteria: GeneDx Variant Classification Process June 2021. Collection method: clinical testing. Allele origin: germline. Affected: yes.
Comment: Nonsense variant in the C-terminus predicted to result in protein truncation, as the last 51 amino acids are lost, and other loss-of-function variants have been reported downstream in HGMD; Not observed at significant frequency in large population cohorts (gnomAD); Has not been previously published as pathogenic or benign to our knowledge

Clinical Genetics and Genomics, Karolinska University Hospital
Classification: Likely pathogenic. Last evaluated: 2016-02-02. Review status: criteria provided, single submitter. Criteria: ACMG Guidelines, 2015. Collection method: clinical testing. Allele origin: germline. Affected: yes. Observed: 1 variant allele.

Literature cited by the submitters: PubMed 35105264 (cited by Labcorp Genetics (formerly Invitae), Labcorp).